The following is an entry in ClinVar:

ClinVar aggregate classification (germline): Conflicting classifications of pathogenicity. Review status: criteria provided, conflicting classifications (1 of 4 stars). 2 submissions from 2 submitters: Uncertain significance (1); Likely benign (1). Last evaluated 2025-08-01.

Allele frequency attached by ClinVar (database versions not stated): 1000 Genomes Project 30x 0.00031; 1000 Genomes Project 0.00040; TOPMed 0.00121; ExAC 0.00133; gnomAD 0.00137; ESP Exome Variant Server 0.00173.
gnomAD v4.1: 3,070 of 1,613,572 alleles (0.19%); highest among the groups gnomAD compares: Non-Finnish European, 0.25%; 5 homozygotes.

Submissions (2):

CeGaT Center for Human Genetics Tuebingen
Classification: Likely benign. Last evaluated: 2025-08-01. Review status: criteria provided, single submitter. Criteria: CeGaT Center For Human Genetics Tuebingen Variant Classification Criteria Version 2. Collection method: clinical testing. Allele origin: germline. Affected: yes. Observed: 1 variant allele.
Comment: SYCE2: BP4, BS1

Ambry Genetics
Classification: Uncertain significance. Last evaluated: 2021-09-15. Review status: criteria provided, single submitter. Criteria: Ambry Variant Classification Scheme 2023. Collection method: clinical testing. Allele origin: germline.

NM_001105578.2(SYCE2):c.539A>C (p.Lys180Thr)

Genes: SYCE2 (synaptonemal complex central element protein 2; minus strand), LOC126862860 (BRD4-independent group 4 enhancer GRCh37_chr19:13010146-13011345; plus strand). Cytogenetic location: 19p13.13.
Variant type: single nucleotide variant.
Coding change: c.539A>C on transcript NM_001105578.2 (MANE Select); coding-DNA position 539, A replaced by C.
Protein change: p.Lys180Thr; replaces lysine 180 with threonine.
Molecular consequence: missense variant.
Genome position (GRCh38, 1-based): chr19:12,900,077, T>G on the plus strand (A>C on the coding strand, the complement: SYCE2 is on the minus strand). VCF-style: chr19-12900077-T-G. GRCh37 (hg19) VCF-style: chr19-13010891-T-G.
Other names: short protein forms K180T.
Identifiers: ClinVar variation 2213136 (VCV002213136.10), dbSNP rs189554230, ClinGen allele CA9234764.
Genomic context (GRCh38, chr19:12,900,077, plus strand): 5'-TCAGCCACAGAAGAAACGAACACGTCTGGGGGCTGTGAGTTGCCGGGACGTGGTGGGGAC[T>G]TTCCCCTAGAGTGGTCTGGCCCCCATCTGAGTCTTAGGCTCTGCTGTAAAAAAGAAACCC-3'
Protein context (NP_001099048.1, residues 170-190): LRWGPDHSRG[Lys180Thr]SPPRPGNSQP